The following is an entry in ClinVar:

NM_004360.5(CDH1):c.271T>C (p.Phe91Leu)

Gene: CDH1 (cadherin 1; plus strand). Cytogenetic location: 16q22.1.
Variant type: single nucleotide variant.
Coding change: c.271T>C on transcript NM_004360.5 (MANE Select); coding-DNA position 271, T replaced by C.
Protein change: p.Phe91Leu; replaces phenylalanine 91 with leucine.
Molecular consequence: missense variant. On other transcripts: 5 prime UTR variant (2).
Genome position (GRCh38, 1-based): chr16:68,801,777, T>C. VCF-style: chr16-68801777-T-C. GRCh37 (hg19) VCF-style: chr16-68835680-T-C.
Other names: c.271T>C, p.Phe91Leu (NM_001317184.2); c.-1345T>C (NM_001317185.2); c.-1549T>C (NM_001317186.2); short protein forms F91L.
Identifiers: ClinVar variation 2503028 (VCV002503028.1), dbSNP rs2152126815, ClinGen allele CA396457276.

ClinVar aggregate classification (germline): Uncertain significance (1 of 4 stars; one submission).

Conditions:
Hereditary diffuse gastric adenocarcinoma (HDGC). Also called: DIFFUSE GASTRIC AND LOBULAR BREAST CANCER SYNDROME. Identifiers: Orphanet 26106, MedGen C1708349, MONDO:0007648, OMIM 137215.

Submission:

European Reference Network on Genetic Tumour Risk Syndromes (ERN-GENTURIS), i3s - Instituto de Investigação e Inovação em Saúde, University of Porto
Classification: Uncertain significance for Hereditary diffuse gastric adenocarcinoma. Last evaluated: 2022-08-01. Review status: criteria provided, single submitter. Criteria: Lee et al. (Hum Mutat. 2018). Collection method: clinical testing. Allele origin: germline. Inheritance: Autosomal dominant inheritance. Affected: no. Study: ERN GENTURIS.
Comment: PM2 (PMID: 30311375)

Literature cited by the submitters: PubMed 36436516.